The following is an entry in ClinVar:

ClinVar aggregate classification (germline): Uncertain significance (1 of 4 stars; one submission).

Submission:

GeneDx
Classification: Uncertain significance. Last evaluated: 2023-12-18. Review status: criteria provided, single submitter. Criteria: GeneDx Variant Classification Process June 2021. Collection method: clinical testing. Allele origin: germline. Affected: yes.
Comment: Not observed at significant frequency in large population cohorts (gnomAD); In silico analysis supports that this missense variant has a deleterious effect on protein structure/function; Has not been previously published as pathogenic or benign to our knowledge

NM_001127392.3(MYRF):c.3452A>T (p.Asp1151Val)

Gene: MYRF (myelin regulatory factor; plus strand). Cytogenetic location: 11q12.2.
Variant type: single nucleotide variant.
Coding change: c.3452A>T on transcript NM_001127392.3 (MANE Select); coding-DNA position 3452, A replaced by T.
Protein change: p.Asp1151Val; replaces aspartic acid 1151 with valine.
Molecular consequence: missense variant.
Genome position (GRCh38, 1-based): chr11:61,786,139, A>T. VCF-style: chr11-61786139-A-T. GRCh37 (hg19) VCF-style: chr11-61553611-A-T.
Other names: c.3332A>T, p.Asp1111Val (NM_013279.4); short protein forms D1111V, D1151V.
Identifiers: ClinVar variation 3370024 (VCV003370024.1).